The following is an entry in ClinVar:

NM_000059.4(BRCA2):c.6291del (p.Ser2098fs)

Gene: BRCA2 (BRCA2 DNA repair associated; plus strand). Cytogenetic location: 13q13.1.
Variant type: Deletion.
Coding change: c.6291del on transcript NM_000059.4 (MANE Select); coding-DNA position 6291, one base deleted (G; older notation c.6291delG).
Protein change: p.Ser2098fs; shifts the reading frame from serine 2098.
Molecular consequence: frameshift variant.
Genome position (GRCh38, 1-based): chr13:32,340,646, G deleted. VCF-style (leftmost placement, unchanged base first): chr13-32340645-CG-C. GRCh37 (hg19) VCF-style: chr13-32914782-CG-C.
Other names: c.6291delG (NM_000059.3); short protein forms S2098fs.
Identifiers: ClinVar variation 1449991 (VCV001449991.7), dbSNP rs2137526091, ClinGen allele CA2573149189.

ClinVar aggregate classification (germline): Pathogenic. Review status: criteria provided, multiple submitters, no conflicts (2 of 4 stars). 2 submissions from 2 submitters: Pathogenic (2). Last evaluated 2024-12-05.

Conditions:
Hereditary cancer-predisposing syndrome. Also called: Hereditary Cancer Syndrome; Hereditary neoplastic syndrome; Neoplastic Syndromes, Hereditary; Tumor predisposition. Identifiers: Orphanet 140162, MedGen C0027672, MeSH D009386, MONDO:0015356.
Hereditary breast ovarian cancer syndrome. Also called: BRCA1- and BRCA2-Associated Hereditary Breast and Ovarian Cancer; Hereditary breast and ovarian cancer; Hereditary breast and ovarian cancer syndrome (HBOC); Hereditary breast and/or ovarian cancer syndrome; Hereditary breast and ovarian cancer syndrome; Breast and ovarian cancer. Identifiers: Orphanet 145, MedGen C0677776, MeSH D061325, MONDO:0003582. Disease mechanism: loss of function.

Submissions (2):

Ambry Genetics
Classification: Pathogenic for Hereditary cancer-predisposing syndrome. Last evaluated: 2024-12-05. Review status: criteria provided, single submitter. Criteria: Ambry Variant Classification Scheme 2023. Collection method: clinical testing. Allele origin: germline.
Comment: The c.6291delG pathogenic mutation, located in coding exon 10 of the BRCA2 gene, results from a deletion of one nucleotide at nucleotide position 6291, causing a translational frameshift with a predicted alternate stop codon (p.S2098Lfs*21). This variant is considered to be rare based on population cohorts in the Genome Aggregation Database (gnomAD). This alteration is expected to result in loss of function by premature protein truncation or nonsense-mediated mRNA decay. As such, this alteration is interpreted as a disease-causing mutation.

Labcorp Genetics (formerly Invitae), Labcorp
Classification: Pathogenic for Hereditary breast ovarian cancer syndrome. Last evaluated: 2024-07-24. Review status: criteria provided, single submitter. Criteria: Invitae Variant Classification Sherloc (09022015). Collection method: clinical testing. Allele origin: germline.
Comment: This sequence change creates a premature translational stop signal (p.Ser2098Leufs*21) in the BRCA2 gene. It is expected to result in an absent or disrupted protein product. Loss-of-function variants in BRCA2 are known to be pathogenic (PMID: 20104584). This variant is not present in population databases (gnomAD no frequency). This variant has not been reported in the literature in individuals affected with BRCA2-related conditions. ClinVar contains an entry for this variant (Variation ID: 1449991). For these reasons, this variant has been classified as Pathogenic.

Literature cited by the submitters: PubMed 20104584 (cited by Labcorp Genetics (formerly Invitae), Labcorp).